The following is an entry in ClinVar:

ClinVar aggregate classification (germline): Uncertain significance (1 of 4 stars; one submission).

Submission:

Labcorp Genetics (formerly Invitae), Labcorp
Classification: Uncertain significance. Last evaluated: 2024-11-11. Review status: criteria provided, single submitter. Criteria: Invitae Variant Classification Sherloc (09022015). Collection method: clinical testing. Allele origin: germline.
Comment: This sequence change replaces serine, which is neutral and polar, with threonine, which is neutral and polar, at codon 511 of the PNPLA8 protein (p.Ser511Thr). This variant is not present in population databases (gnomAD no frequency). This variant has not been reported in the literature in individuals affected with PNPLA8-related conditions. ClinVar contains an entry for this variant (Variation ID: 2103229). An algorithm developed to predict the effect of missense changes on protein structure and function outputs the following: PolyPhen-2: "Benign". The threonine amino acid residue is found in multiple mammalian species, which suggests that this missense change does not adversely affect protein function. In summary, the available evidence is currently insufficient to determine the role of this variant in disease. Therefore, it has been classified as a Variant of Uncertain Significance.

NM_001256007.3(PNPLA8):c.1531T>A (p.Ser511Thr)

Gene: PNPLA8 (patatin like domain 8, phospholipase A2; minus strand). Cytogenetic location: 7q31.1.
Variant type: single nucleotide variant.
Coding change: c.1531T>A on transcript NM_001256007.3 (MANE Select); coding-DNA position 1531, T replaced by A.
Protein change: p.Ser511Thr; replaces serine 511 with threonine.
Molecular consequence: missense variant.
Genome position (GRCh38, 1-based): chr7:108,496,678, A>T on the plus strand (T>A on the coding strand, the complement: PNPLA8 is on the minus strand). VCF-style: chr7-108496678-A-T. GRCh37 (hg19) VCF-style: chr7-108137122-A-T.
Other names: c.1531T>A, p.Ser511Thr (NM_001256008.3, NM_001256009.3, NM_015723.5); c.1231T>A, p.Ser411Thr (NM_001256010.3, NM_001256011.3); short protein forms S411T, S511T.
Identifiers: ClinVar variation 2103229 (VCV002103229.4), dbSNP rs2552114003, ClinGen allele CA368896068.